The following is an entry in ClinVar:

NM_001365480.1(CCDC88A):c.2258G>A (p.Arg753His)

Gene: CCDC88A (coiled-coil domain containing 88A; minus strand). Cytogenetic location: 2p16.1.
Variant type: single nucleotide variant.
Coding change: c.2258G>A on transcript NM_001365480.1 (MANE Select); coding-DNA position 2258, G replaced by A.
Protein change: p.Arg753His; replaces arginine 753 with histidine.
Molecular consequence: missense variant.
Genome position (GRCh38, 1-based): chr2:55,334,563, C>T on the plus strand (G>A on the coding strand, the complement: CCDC88A is on the minus strand). VCF-style: chr2-55334563-C-T. GRCh37 (hg19) VCF-style: chr2-55561699-C-T.
Other names: c.2258G>A, p.Arg753His (NM_001135597.2, NM_001254943.2, NM_018084.5); c.2258G>A (NM_001135597.1); short protein forms R753H.
Identifiers: ClinVar variation 2164786 (VCV002164786.3), dbSNP rs779160896, ClinGen allele CA1666005.

ClinVar aggregate classification (germline): Uncertain significance. Review status: criteria provided, multiple submitters, no conflicts (2 of 4 stars). 2 submissions from 2 submitters: Uncertain significance (2). Last evaluated 2024-10-09.

Allele frequency attached by ClinVar (database versions not stated): ExAC 0.00001; gnomAD 0.00005.
gnomAD v4.1: 16 of 1,612,622 alleles (0.00099%); highest among the groups gnomAD compares: Middle Eastern, 0.016%; no homozygotes.

Submissions (2):

Ambry Genetics
Classification: Uncertain significance. Last evaluated: 2024-10-09. Review status: criteria provided, single submitter. Criteria: Ambry Variant Classification Scheme 2023. Collection method: clinical testing. Allele origin: germline.

Labcorp Genetics (formerly Invitae), Labcorp
Classification: Uncertain significance. Last evaluated: 2023-12-07. Review status: criteria provided, single submitter. Criteria: Invitae Variant Classification Sherloc (09022015). Collection method: clinical testing. Allele origin: germline.
Comment: This sequence change replaces arginine, which is basic and polar, with histidine, which is basic and polar, at codon 753 of the CCDC88A protein (p.Arg753His). This variant is present in population databases (rs779160896, gnomAD 0.02%). This variant has not been reported in the literature in individuals affected with CCDC88A-related conditions. ClinVar contains an entry for this variant (Variation ID: 2164786). An algorithm developed to predict the effect of missense changes on protein structure and function (PolyPhen-2) suggests that this variant is likely to be disruptive. In summary, the available evidence is currently insufficient to determine the role of this variant in disease. Therefore, it has been classified as a Variant of Uncertain Significance.